The following is an entry in ClinVar:

ClinVar aggregate classification (germline): Pathogenic (1 of 4 stars; one submission).

Conditions:
Hereditary sensory and autonomic neuropathy type 6. Also called: Neuropathy, hereditary sensory and autonomic, type VI; HSAN VI. Identifiers: Orphanet 314381, MedGen C3539003, MONDO:0013839, OMIM 614653.
Epidermolysis bullosa simplex 3, localized or generalized intermediate, with BP230 deficiency (EBS3). Also called: Epidermolysis bullosa simplex due to BP230 deficiency; Epidermolysis bullosa simplex, autosomal recessive 2. Identifiers: Orphanet 412181, MedGen C3809470, MONDO:0014180, OMIM 615425.

Allele frequency attached by ClinVar (database versions not stated): gnomAD exomes below 0.00001.
gnomAD v4.1: 1 of 1,570,102 alleles (0.000064%); highest among the groups gnomAD compares: Admixed American, 0.0021%; no homozygotes.

Submission:

Labcorp Genetics (formerly Invitae), Labcorp
Classification: Pathogenic for Epidermolysis bullosa simplex 3, localized or generalized intermediate, with BP230 deficiency; Hereditary sensory and autonomic neuropathy type 6. Last evaluated: 2020-08-26. Review status: criteria provided, single submitter. Criteria: Invitae Variant Classification Sherloc (09022015). Collection method: clinical testing. Allele origin: germline.
Comment: This sequence change creates a premature translational stop signal (p.Arg2971*) in the DST gene. It is expected to result in an absent or disrupted protein product. The DST gene has multiple clinically relevant transcripts. This variant occurs in alternate transcript NM_015548.4, and corresponds to NM_001723.5:c.*80234C>T in the primary transcript. This variant is not present in population databases (ExAC no frequency). This variant has not been reported in the literature in individuals with DST-related conditions. Algorithms developed to predict the effect of sequence changes on RNA splicing suggest that this variant may create or strengthen a splice site, but this prediction has not been confirmed by published transcriptional studies. For these reasons, this variant has been classified as Pathogenic. Loss-of-function variants in DST are known to be pathogenic (PMID: 22522446, 25059916, 30371979).

Literature cited by the submitters: PubMed 22522446; PubMed 25059916; PubMed 30371979.

NM_001374736.1(DST):c.16780C>T (p.Arg5594Ter)

Gene: DST (dystonin; minus strand). Cytogenetic location: 6p12.1.
Variant type: single nucleotide variant.
Coding change: c.16780C>T on transcript NM_001374736.1 (MANE Select); coding-DNA position 16780, C replaced by T.
Protein change: p.Arg5594Ter; replaces arginine 5594 with a stop codon.
Molecular consequence: nonsense.
Genome position (GRCh38, 1-based): chr6:56,535,283, G>A on the plus strand (C>T on the coding strand, the complement: DST is on the minus strand). VCF-style: chr6-56535283-G-A. GRCh37 (hg19) VCF-style: chr6-56400081-G-A.
Other names: c.10423C>T, p.Arg3475Ter (NM_001144769.5); c.10009C>T, p.Arg3337Ter (NM_001144770.2); c.16780C>T, p.Arg5594Ter (NM_001374722.1); c.16147C>T, p.Arg5383Ter (NM_001374729.1); c.9889C>T, p.Arg3297Ter (NM_001374730.1, NM_001386100.1, NM_183380.4); c.16807C>T, p.Arg5603Ter (NM_001374734.1); c.8911C>T, p.Arg2971Ter (NM_015548.5); short protein forms R2971*, R3297*, R3337*, R3475*, R5383*, R5594*, R5603*.
Identifiers: ClinVar variation 1073401 (VCV001073401.7), dbSNP rs1198127456, ClinGen allele CA364511158.